The following is an entry in ClinVar:

ClinVar aggregate classification (germline): Pathogenic (1 of 4 stars; one submission).

Conditions:
Alagille syndrome due to a JAG1 point mutation. Also called: HEPATIC DUCTULAR HYPOPLASIA, SYNDROMATIC; JAG1-Related Alagille Syndrome; Alagille Syndrome 1. Identifiers: Orphanet 261619, Orphanet 52, MedGen C1956125, MONDO:0016862, OMIM 118450.

Submission:

Labcorp Genetics (formerly Invitae), Labcorp
Classification: Pathogenic for Alagille syndrome due to a JAG1 point mutation. Last evaluated: 2022-06-11. Review status: criteria provided, single submitter. Criteria: Invitae Variant Classification Sherloc (09022015). Collection method: clinical testing. Allele origin: germline.
Comment: For these reasons, this variant has been classified as Pathogenic. This variant has not been reported in the literature in individuals affected with JAG1-related conditions. This variant is not present in population databases (gnomAD no frequency). This sequence change creates a premature translational stop signal (p.Ser859Phefs*20) in the JAG1 gene. It is expected to result in an absent or disrupted protein product. Loss-of-function variants in JAG1 are known to be pathogenic (PMID: 11180599).

Literature cited by the submitters: PubMed 11180599.

NM_000214.3(JAG1):c.2575dup (p.Ser859fs)

Gene: JAG1 (jagged canonical Notch ligand 1; minus strand). Cytogenetic location: 20p12.2.
Variant type: Duplication.
Coding change: c.2575dup on transcript NM_000214.3 (MANE Select); coding-DNA position 2575, one base duplicated (T; older notation c.2575dupT).
Protein change: p.Ser859fs; shifts the reading frame from serine 859.
Molecular consequence: frameshift variant.
Genome position (GRCh38, 1-based): chr20:10,641,890, A duplicated on the plus strand (T on the coding strand, the reverse complement: JAG1 is on the minus strand); the first of 3 consecutive A bases (chr20:10,641,890-10,641,892); duplicating any one gives the same sequence. VCF-style (leftmost placement, unchanged base first): chr20-10641889-G-GA. GRCh37 (hg19) VCF-style: chr20-10622537-G-GA.
Other names: short protein forms S859fs.
Identifiers: ClinVar variation 2004808 (VCV002004808.4), dbSNP rs2514509662, ClinGen allele CA2580097852.
Genomic context (GRCh38, chr20:10,641,889, plus strand): 5'-TCATCATCCCATTTGGCCCCATCTGGTATCACACTCCCCATGGTGATGCAAGGTCTCCCT[G>GA]AAACTGACAGGTGGAGACGGGTGAGCAGTTTATTTTTCTGTGAACCGGATCGGGGTTCAA-3'